The following is an entry in ClinVar:

ClinVar aggregate classification (germline): Uncertain significance (1 of 4 stars; one submission).

Submission:

GeneDx
Classification: Uncertain significance. Last evaluated: 2019-09-06. Review status: criteria provided, single submitter. Criteria: GeneDx Variant Classification Process June 2021. Collection method: clinical testing. Allele origin: germline. Affected: yes.
Comment: Not observed in large population cohorts (Lek et al., 2016); In silico analysis, which includes splice predictors and evolutionary conservation, supports that this variant may damage the native splice acceptor site and/or create a new splice acceptor site for intron 3; however, in the absence of mRNA functional studies, the splice effect is unknown; This variant is associated with the following publications: (PMID: 14695540)

NM_000138.5(FBN1):c.248-7T>G

Gene: FBN1 (fibrillin 1; minus strand). Cytogenetic location: 15q21.1.
Variant type: single nucleotide variant.
Coding change: c.248-7T>G on transcript NM_000138.5 (MANE Select); 7 bases into the intron before coding-DNA position 248, T replaced by G.
Molecular consequence: intron variant.
Genome position (GRCh38, 1-based): chr15:48,610,833, A>C on the plus strand (T>G on the coding strand, the complement: FBN1 is on the minus strand). VCF-style: chr15-48610833-A-C. GRCh37 (hg19) VCF-style: chr15-48903030-A-C.
Identifiers: ClinVar variation 1303104 (VCV001303104.2), dbSNP rs2140734107, ClinGen allele CA2573054044.